The following is an entry in ClinVar:

NM_001166108.2(PALLD):c.1958C>A (p.Pro653Gln)

Gene: PALLD (palladin, cytoskeletal associated protein; plus strand). Cytogenetic location: 4q32.3.
Variant type: single nucleotide variant.
Coding change: c.1958C>A on transcript NM_001166108.2 (MANE Select); coding-DNA position 1958, C replaced by A.
Protein change: p.Pro653Gln; replaces proline 653 with glutamine.
Molecular consequence: missense variant.
Genome position (GRCh38, 1-based): chr4:168,711,917, C>A. VCF-style: chr4-168711917-C-A. GRCh37 (hg19) VCF-style: chr4-169633068-C-A.
Other names: c.812C>A, p.Pro271Gln (NM_001166109.2); c.1958C>A, p.Pro653Gln (NM_016081.4); c.1958C>A (NM_001166108.1); short protein forms P653Q, P271Q.
Identifiers: ClinVar variation 1783347 (VCV001783347.2), dbSNP rs549591072, ClinGen allele CA3135751.

ClinVar aggregate classification (germline): Uncertain significance. Review status: criteria provided, single submitter (1 of 4 stars). 2 submissions from 1 submitter: Uncertain significance (2). Last evaluated 2023-02-07.

Conditions:
Hereditary cancer-predisposing syndrome. Also called: Neoplastic Syndromes, Hereditary; Tumor predisposition; Hereditary Cancer Syndrome; Hereditary neoplastic syndrome. Identifiers: Orphanet 140162, MedGen C0027672, MeSH D009386, MONDO:0015356.
Inborn genetic diseases. Identifiers: MedGen C0950123, MeSH D030342.

Allele frequency attached by ClinVar (database versions not stated): TOPMed 0.00003; gnomAD 0.00005; 1000 Genomes Project 30x 0.00016; 1000 Genomes Project 0.00020.
gnomAD v4.1: 34 of 1,610,976 alleles (0.0021%); highest among the groups gnomAD compares: East Asian, 0.056%; no homozygotes.

Submissions (2):

Ambry Genetics
Classification: Uncertain significance for Inborn genetic diseases. Last evaluated: 2023-02-07. Review status: criteria provided, single submitter. Criteria: Ambry General Variant Classification Scheme_2022. Collection method: clinical testing. Allele origin: germline.

Ambry Genetics
Classification: Uncertain significance for Hereditary cancer-predisposing syndrome. Last evaluated: 2022-10-27. Review status: criteria provided, single submitter. Criteria: Ambry General Variant Classification Scheme_2022. Collection method: clinical testing. Allele origin: germline. Observed: 1 variant allele.
Comment: The p.P653Q variant (also known as c.1958C>A), located in coding exon 9 of the PALLD gene, results from a C to A substitution at nucleotide position 1958. The proline at codon 653 is replaced by glutamine, an amino acid with similar properties. This amino acid position is conserved. In addition, the in silico prediction for this alteration is inconclusive. Since supporting evidence is limited at this time, the clinical significance of this alteration remains unclear.